The following is an entry in ClinVar:

ClinVar aggregate classification (germline): Uncertain significance. Review status: criteria provided, multiple submitters, no conflicts (2 of 4 stars). 4 submissions from 4 submitters: Uncertain significance (4). Last evaluated 2026-04-27.

Conditions:
MYH6-related disorder. Also called: MYH6-related condition; MYH6-Related Disorders.
Dilated cardiomyopathy 1EE (CMD1EE). Identifiers: Orphanet 154, MedGen C2750466, MONDO:0013198, OMIM 613252.
Hypertrophic cardiomyopathy 14. Identifiers: MedGen C2750467, MONDO:0013197, OMIM 613251.
Atrial septal defect 3 (ASD3). Identifiers: Orphanet 1478, MedGen C3279790, MONDO:0013567, OMIM 614089.
Sick sinus syndrome 3, susceptibility to (SSS3). Identifiers: Orphanet 166282, MedGen C3279791, MONDO:0013568, OMIM 614090.
Cardiovascular phenotype. Identifiers: MedGen CN230736.

Allele frequency attached by ClinVar (database versions not stated): ExAC 0.00002.
gnomAD v4.1: 6 of 1,614,144 alleles (0.00037%); highest among the groups gnomAD compares: East Asian, 0.0022%; no homozygotes.

Submissions (4):

Ambry Genetics
Classification: Uncertain significance for Cardiovascular phenotype. Last evaluated: 2026-04-27. Review status: criteria provided, single submitter. Criteria: Ambry Variant Classification Scheme 2023. Collection method: clinical testing. Allele origin: germline.
Comment: The p.R1911W variant (also known as c.5731C>T), located in coding exon 36 of the MYH6 gene, results from a C to T substitution at nucleotide position 5731. The arginine at codon 1911 is replaced by tryptophan, an amino acid with dissimilar properties. This amino acid position is conserved. In addition, this alteration is predicted to be deleterious by in silico analysis. Based on the available evidence, the clinical significance of this variant remains unclear.

GeneDx
Classification: Uncertain significance. Last evaluated: 2026-02-19. Review status: criteria provided, single submitter. Criteria: GeneDx Variant Classification Process June 2021. Collection method: clinical testing. Allele origin: germline.
Comment: Not observed at significant frequency in large population cohorts (gnomAD); In silico analysis supports that this missense variant has a deleterious effect on protein structure/function; Has not been previously published as pathogenic or benign to our knowledge

PreventionGenetics, part of Exact Sciences
Classification: Uncertain significance for MYH6-related condition. Last evaluated: 2023-01-23. Review status: criteria provided, single submitter. Criteria: ACMG Guidelines, 2015. Collection method: clinical testing. Allele origin: germline.
Comment: The MYH6 c.5731C>T variant is predicted to result in the amino acid substitution p.Arg1911Trp. To our knowledge, this variant has not been reported in the literature. This variant is reported in 0.0054% of alleles in individuals of East Asian descent in gnomAD. At this time, the clinical significance of this variant is uncertain due to the absence of conclusive functional and genetic evidence.

Juno Genomics, Hangzhou Juno Genomics, Inc
Classification: Uncertain significance for Sick sinus syndrome 3, susceptibility to; Atrial septal defect 3; Dilated cardiomyopathy 1EE; Hypertrophic cardiomyopathy 14. Review status: criteria provided, single submitter. Criteria: ACMG Guidelines, 2015. Collection method: clinical testing. Allele origin: germline.
Comment: Absent from controls (or at extremely low frequency if recessive) in Genome Aggregation Database.;Missense variant in a gene that has a low rate of benign missense variation.;Multiple lines of computational evidence support a deleterious effect on the gene or gene product.

NM_002471.4(MYH6):c.5731C>T (p.Arg1911Trp)

Gene: MYH6 (myosin heavy chain 6; minus strand). Cytogenetic location: 14q11.2.
Variant type: single nucleotide variant.
Coding change: c.5731C>T on transcript NM_002471.4 (MANE Select); coding-DNA position 5731, C replaced by T.
Protein change: p.Arg1911Trp; replaces arginine 1911 with tryptophan.
Molecular consequence: missense variant.
Genome position (GRCh38, 1-based): chr14:23,382,493, G>A on the plus strand (C>T on the coding strand, the complement: MYH6 is on the minus strand). VCF-style: chr14-23382493-G-A. GRCh37 (hg19) VCF-style: chr14-23851702-G-A.
Other names: short protein forms R1911W.
Identifiers: ClinVar variation 2630187 (VCV002630187.6), dbSNP rs746557077, ClinGen allele CA7114293.